The following is an entry in ClinVar:

NM_000545.8(HNF1A):c.800G>C (p.Trp267Ser)

Gene: HNF1A (HNF1 homeobox A; plus strand). Cytogenetic location: 12q24.31.
Variant type: single nucleotide variant.
Coding change: c.800G>C on transcript NM_000545.8 (MANE Select); coding-DNA position 800, G replaced by C.
Protein change: p.Trp267Ser; replaces tryptophan 267 with serine.
Molecular consequence: missense variant.
Genome position (GRCh38, 1-based): chr12:120,994,250, G>C. VCF-style: chr12-120994250-G-C. GRCh37 (hg19) VCF-style: chr12-121432053-G-C.
Other names: c.800G>C, p.Trp267Ser (NM_001306179.2, NM_001406915.1); short protein forms W267S.
Identifiers: ClinVar variation 2735984 (VCV002735984.3), dbSNP rs2135841752, ClinGen allele CA386966253.

ClinVar aggregate classification (germline): Uncertain significance (1 of 4 stars; one submission).

Submission:

Labcorp Genetics (formerly Invitae), Labcorp
Classification: Uncertain significance. Last evaluated: 2025-09-23. Review status: criteria provided, single submitter. Criteria: Invitae Variant Classification Sherloc (09022015). Collection method: clinical testing. Allele origin: germline.
Comment: This sequence change replaces tryptophan, which is neutral and slightly polar, with serine, which is neutral and polar, at codon 267 of the HNF1A protein (p.Trp267Ser). This variant is not present in population databases (gnomAD no frequency). This missense change has been observed in individuals with MODY, type III (PMID: 23771925; internal data). ClinVar contains an entry for this variant (Variation ID: 2735984). Invitae Evidence Modeling of protein sequence and biophysical properties (such as structural, functional, and spatial information, amino acid conservation, physicochemical variation, residue mobility, and thermodynamic stability) has been performed for this missense variant. However, the output from this modeling did not meet the statistical confidence thresholds required to predict the impact of this variant on HNF1A protein function. This variant disrupts the p.Trp267 amino acid residue in HNF1A. Other variant(s) that disrupt this residue have been observed in individuals with HNF1A-related conditions (PMID: 15787664, 23771925), which suggests that this may be a clinically significant amino acid residue. In summary, the available evidence is currently insufficient to determine the role of this variant in disease. Therefore, it has been classified as a Variant of Uncertain Significance.

Literature cited by the submitters: PubMed 23771925; PubMed 15787664.